The following is an entry in ClinVar:

NM_001572.5(IRF7):c.950dup (p.Asp318fs)

Gene: IRF7 (interferon regulatory factor 7; minus strand). Cytogenetic location: 11p15.5.
Variant type: Duplication.
Coding change: c.950dup on transcript NM_001572.5 (MANE Select); coding-DNA position 950, one base duplicated (C; older notation c.950dupC).
Protein change: p.Asp318fs; shifts the reading frame from aspartic acid 318.
Molecular consequence: frameshift variant.
Genome position (GRCh38, 1-based): chr11:613,493, G duplicated on the plus strand (C on the coding strand, the reverse complement: IRF7 is on the minus strand); the first of 6 consecutive G bases (chr11:613,493-613,498); duplicating any one gives the same sequence. VCF-style (leftmost placement, unchanged base first): chr11-613492-T-TG. GRCh37 (hg19) VCF-style: chr11-613492-T-TG.
Other names: c.863dup, p.Asp289fs (NM_004029.4); c.989dup, p.Asp331fs (NM_004031.4); short protein forms D318fs, D289fs, D331fs.
Identifiers: ClinVar variation 3696902 (VCV003696902.2).
Genomic context (GRCh38, chr11:613,492, plus strand): 5'-GAGCTCGGCAGGGCTGGGGAATGCTACCTGCTGGGGGTCTGTGGCCCGGACAGCTGGGTC[T>TG]GGGGGGCCGTATAGGAACGTGCAGCTCGGGTGTCCCACCACCTTCTGCAGCACCGTGCGG-3'

ClinVar aggregate classification (germline): Uncertain significance (1 of 4 stars; one submission).

Conditions:
Immunodeficiency 39 (IMD39). Identifiers: Orphanet 574918, MedGen C4225358, MONDO:0014597, OMIM 616345.

Submission:

Labcorp Genetics (formerly Invitae), Labcorp
Classification: Uncertain significance for Immunodeficiency 39. Last evaluated: 2024-02-01. Review status: criteria provided, single submitter. Criteria: Invitae Variant Classification Sherloc (09022015). Collection method: clinical testing. Allele origin: germline.
Comment: This sequence change creates a premature translational stop signal (p.Asp331Argfs*84) in the IRF7 gene. It is expected to result in an absent or disrupted protein product. However, the current clinical and genetic evidence is not sufficient to establish whether loss-of-function variants in IRF7 cause disease. This variant is not present in population databases (gnomAD no frequency). This variant has not been reported in the literature in individuals affected with IRF7-related conditions. In summary, the available evidence is currently insufficient to determine the role of this variant in disease. Therefore, it has been classified as a Variant of Uncertain Significance.